The following is an entry in ClinVar:

ClinVar aggregate classification (germline): Uncertain significance. Review status: criteria provided, multiple submitters, no conflicts (2 of 4 stars). 2 submissions from 2 submitters: Uncertain significance (2). Last evaluated 2022-11-15.

Allele frequency attached by ClinVar (database versions not stated): gnomAD exomes 0.00001; TOPMed 0.00002.
gnomAD v4.1: 19 of 1,614,150 alleles (0.0012%); highest among the groups gnomAD compares: African/African-American, 0.0013%; no homozygotes.

Submissions (2):

Labcorp Genetics (formerly Invitae), Labcorp
Classification: Uncertain significance. Last evaluated: 2022-11-15. Review status: criteria provided, single submitter. Criteria: Invitae Variant Classification Sherloc (09022015). Collection method: clinical testing. Allele origin: germline.
Comment: In summary, the available evidence is currently insufficient to determine the role of this variant in disease. Therefore, it has been classified as a Variant of Uncertain Significance. Advanced modeling of protein sequence and biophysical properties (such as structural, functional, and spatial information, amino acid conservation, physicochemical variation, residue mobility, and thermodynamic stability) performed at Invitae indicates that this missense variant is not expected to disrupt PDE6A protein function. ClinVar contains an entry for this variant (Variation ID: 1023352). This variant has not been reported in the literature in individuals affected with PDE6A-related conditions. This variant is present in population databases (no rsID available, gnomAD 0.002%). This sequence change replaces lysine, which is basic and polar, with arginine, which is basic and polar, at codon 205 of the PDE6A protein (p.Lys205Arg).

Blueprint Genetics
Classification: Uncertain significance. Last evaluated: 2022-06-02. Review status: criteria provided, single submitter. Criteria: ACMG Guidelines, 2015. Collection method: clinical testing. Allele origin: germline.

NM_000440.3(PDE6A):c.614A>G (p.Lys205Arg)

Gene: PDE6A (phosphodiesterase 6A; minus strand). Cytogenetic location: 5q32.
Variant type: single nucleotide variant.
Coding change: c.614A>G on transcript NM_000440.3 (MANE Select); coding-DNA position 614, A replaced by G.
Protein change: p.Lys205Arg; replaces lysine 205 with arginine.
Molecular consequence: missense variant.
Genome position (GRCh38, 1-based): chr5:149,934,579, T>C on the plus strand (A>G on the coding strand, the complement: PDE6A is on the minus strand). VCF-style: chr5-149934579-T-C. GRCh37 (hg19) VCF-style: chr5-149314142-T-C.
Other names: short protein forms K205R.
Identifiers: ClinVar variation 1023352 (VCV001023352.9), dbSNP rs898179811, ClinGen allele CA129054997.